The following is an entry in ClinVar:

ClinVar aggregate classification (germline): Conflicting classifications of pathogenicity. Review status: criteria provided, conflicting classifications (1 of 4 stars). 2 submissions from 2 submitters: Uncertain significance (1); Likely benign (1). Last evaluated 2025-05-26.

Conditions:
Inborn genetic diseases. Identifiers: MedGen C0950123, MeSH D030342.

Allele frequency attached by ClinVar (database versions not stated): ExAC 0.00001; gnomAD exomes 0.00001 and 0.00002; TOPMed 0.00005; gnomAD 0.00007; ESP Exome Variant Server 0.00008.
gnomAD v4.1: 46 of 1,614,128 alleles (0.0028%); highest among the groups gnomAD compares: African/African-American, 0.015%; no homozygotes.

Submissions (2):

Labcorp Genetics (formerly Invitae), Labcorp
Classification: Uncertain significance. Last evaluated: 2025-05-26. Review status: criteria provided, single submitter. Criteria: Invitae Variant Classification Sherloc (09022015). Collection method: clinical testing. Allele origin: germline.
Comment: This sequence change replaces methionine, which is neutral and non-polar, with valine, which is neutral and non-polar, at codon 350 of the TNFRSF11A protein (p.Met350Val). This variant is present in population databases (rs147189162, gnomAD 0.02%). This variant has not been reported in the literature in individuals affected with TNFRSF11A-related conditions. ClinVar contains an entry for this variant (Variation ID: 1361382). An algorithm developed to predict the effect of missense changes on protein structure and function outputs the following: PolyPhen-2: "Benign". The valine amino acid residue is found in multiple mammalian species, which suggests that this missense change does not adversely affect protein function. In summary, the available evidence is currently insufficient to determine the role of this variant in disease. Therefore, it has been classified as a Variant of Uncertain Significance.

Ambry Genetics
Classification: Likely benign for Inborn genetic diseases. Last evaluated: 2023-06-07. Review status: criteria provided, single submitter. Criteria: Ambry Variant Classification Scheme 2023. Collection method: clinical testing. Allele origin: germline.

NM_003839.4(TNFRSF11A):c.1048A>G (p.Met350Val)

Gene: TNFRSF11A (TNF receptor superfamily member 11a; plus strand). Cytogenetic location: 18q21.33.
Variant type: single nucleotide variant.
Coding change: c.1048A>G on transcript NM_003839.4 (MANE Select); coding-DNA position 1048, A replaced by G.
Protein change: p.Met350Val; replaces methionine 350 with valine.
Molecular consequence: missense variant. On other transcripts: intron variant (3).
Genome position (GRCh38, 1-based): chr18:62,368,965, A>G. VCF-style: chr18-62368965-A-G. GRCh37 (hg19) VCF-style: chr18-60036198-A-G.
Other names: c.1006A>G, p.Met336Val (NM_001278268.2); c.783+2205A>G (NM_001270949.2); c.730+7172A>G (NM_001270950.2); c.616+8916A>G (NM_001270951.2); c.1048A>G (NM_003839.2); short protein forms M350V, M336V.
Identifiers: ClinVar variation 1361382 (VCV001361382.10), dbSNP rs147189162, ClinGen allele CA8983912.